The following is an entry in ClinVar:

NM_016203.4(PRKAG2):c.1565A>G (p.Asp522Gly)

Gene: PRKAG2 (protein kinase AMP-activated non-catalytic subunit gamma 2; minus strand). Cytogenetic location: 7q36.1.
Variant type: single nucleotide variant.
Coding change: c.1565A>G on transcript NM_016203.4 (MANE Select); coding-DNA position 1565, A replaced by G.
Protein change: p.Asp522Gly; replaces aspartic acid 522 with glycine.
Molecular consequence: missense variant.
Genome position (GRCh38, 1-based): chr7:151,564,097, T>C on the plus strand (A>G on the coding strand, the complement: PRKAG2 is on the minus strand). VCF-style: chr7-151564097-T-C. GRCh37 (hg19) VCF-style: chr7-151261183-T-C.
Other names: c.1433A>G, p.Asp478Gly (NM_001040633.2); c.1190A>G, p.Asp397Gly (NM_001304527.2); c.842A>G, p.Asp281Gly (NM_001304531.2, NM_024429.2); c.1193A>G, p.Asp398Gly (NM_001363698.2); short protein forms D281G, D397G, D398G, D478G, D522G.
Identifiers: ClinVar variation 1310930 (VCV001310930.6), dbSNP rs2150988481, ClinGen allele CA370070466.

ClinVar aggregate classification (germline): Uncertain significance. Review status: criteria provided, multiple submitters, no conflicts (2 of 4 stars). 3 submissions from 3 submitters: Uncertain significance (3). Last evaluated 2025-07-17.

Conditions:
Cardiomyopathy (CMYO). Also called: Cardiomyopathies. Identifiers: Orphanet 167848, MedGen C0878544, MONDO:0004994, HP:0001638. Inheritance: Various modes of inheritance.
Lethal congenital glycogen storage disease of heart. Also called: GLYCOGEN STORAGE DISEASE OF HEART; PHOSPHORYLASE KINASE DEFICIENCY OF HEART. Identifiers: Orphanet 439854, MedGen C1849813, MONDO:0009867, OMIM 261740.

gnomAD v4.1: 2 of 1,614,138 alleles (0.00012%); highest among the groups gnomAD compares: Non-Finnish European, 0.00017%; no homozygotes.

Submissions (3):

Color Diagnostics, LLC DBA Color Health
Classification: Uncertain significance for Cardiomyopathy. Last evaluated: 2025-07-17. Review status: criteria provided, single submitter. Criteria: ACMG Guidelines, 2015. Collection method: clinical testing. Allele origin: germline.
Comment: This missense variant replaces aspartic acid with glycine at codon 522 of the PRKAG2 protein. Computational prediction suggests that this variant may have deleterious impact on protein structure and function. To our knowledge, functional studies have not been reported for this variant. This variant has not been reported in individuals affected with PRKAG2-related disorders in the literature. This variant has not been identified in the general population by the Genome Aggregation Database (gnomAD). The available evidence is insufficient to determine the role of this variant in disease conclusively. Therefore, this variant is classified as a Variant of Uncertain Significance.

Labcorp Genetics (formerly Invitae), Labcorp
Classification: Uncertain significance for Lethal congenital glycogen storage disease of heart. Last evaluated: 2024-11-13. Review status: criteria provided, single submitter. Criteria: Invitae Variant Classification Sherloc (09022015). Collection method: clinical testing. Allele origin: germline.
Comment: This sequence change replaces aspartic acid, which is acidic and polar, with glycine, which is neutral and non-polar, at codon 522 of the PRKAG2 protein (p.Asp522Gly). This variant is not present in population databases (gnomAD no frequency). This variant has not been reported in the literature in individuals affected with PRKAG2-related conditions. ClinVar contains an entry for this variant (Variation ID: 1310930). Invitae Evidence Modeling of protein sequence and biophysical properties (such as structural, functional, and spatial information, amino acid conservation, physicochemical variation, residue mobility, and thermodynamic stability) has been performed for this missense variant. However, the output from this modeling did not meet the statistical confidence thresholds required to predict the impact of this variant on PRKAG2 protein function. In summary, the available evidence is currently insufficient to determine the role of this variant in disease. Therefore, it has been classified as a Variant of Uncertain Significance.

GeneDx
Classification: Uncertain significance. Last evaluated: 2019-12-06. Review status: criteria provided, single submitter. Criteria: GeneDx Variant Classification Process June 2021. Collection method: clinical testing. Allele origin: germline. Affected: yes.
Comment: Has not been previously published as pathogenic or benign to our knowledge; Not observed in large population cohorts (Lek et al., 2016); In silico analysis, which includes protein predictors and evolutionary conservation, supports a deleterious effect